The following is an entry in ClinVar:

NM_001127198.5(TMC6):c.1348G>A (p.Val450Met)

Gene: TMC6 (transmembrane channel like 6; minus strand). Cytogenetic location: 17q25.3.
Variant type: single nucleotide variant.
Coding change: c.1348G>A on transcript NM_001127198.5 (MANE Select); coding-DNA position 1348, G replaced by A.
Protein change: p.Val450Met; replaces valine 450 with methionine.
Molecular consequence: missense variant. On other transcripts: non-coding transcript variant (4).
Genome position (GRCh38, 1-based): chr17:78,121,591, C>T on the plus strand (G>A on the coding strand, the complement: TMC6 is on the minus strand). VCF-style: chr17-78121591-C-T. GRCh37 (hg19) VCF-style: chr17-76117672-C-T.
Other names: c.1348G>A, p.Val450Met (NM_001321185.1, NM_001374593.1, NM_001374594.1 and 4 more transcripts); short protein forms V450M.
Identifiers: ClinVar variation 1421017 (VCV001421017.6), dbSNP rs138918101, ClinGen allele CA8795780.

ClinVar aggregate classification (germline): Uncertain significance (1 of 4 stars; one submission).

Conditions:
Epidermodysplasia verruciformis. Identifiers: Orphanet 302, MedGen C0014522, MONDO:0009176.

Allele frequency attached by ClinVar (database versions not stated): gnomAD 0.00001; gnomAD exomes 0.00001; TOPMed 0.00001; ExAC 0.00002; ESP Exome Variant Server 0.00008.
gnomAD v4.1: 12 of 1,611,450 alleles (0.00074%); highest among the groups gnomAD compares: Middle Eastern, 0.018%; no homozygotes.

Submission:

Labcorp Genetics (formerly Invitae), Labcorp
Classification: Uncertain significance for Epidermodysplasia verruciformis. Last evaluated: 2023-08-17. Review status: criteria provided, single submitter. Criteria: Invitae Variant Classification Sherloc (09022015). Collection method: clinical testing. Allele origin: germline.
Comment: In summary, the available evidence is currently insufficient to determine the role of this variant in disease. Therefore, it has been classified as a Variant of Uncertain Significance. Algorithms developed to predict the effect of missense changes on protein structure and function output the following: SIFT: "Not Available"; PolyPhen-2: "Benign"; Align-GVGD: "Not Available". The methionine amino acid residue is found in multiple mammalian species, which suggests that this missense change does not adversely affect protein function. ClinVar contains an entry for this variant (Variation ID: 1421017). This variant has not been reported in the literature in individuals affected with TMC6-related conditions. This variant is present in population databases (rs138918101, gnomAD 0.0009%). This sequence change replaces valine, which is neutral and non-polar, with methionine, which is neutral and non-polar, at codon 450 of the TMC6 protein (p.Val450Met).